The following is an entry in ClinVar:

NM_014014.5(SNRNP200):c.2553+5A>G

Gene: SNRNP200 (small nuclear ribonucleoprotein U5 subunit 200; minus strand). Cytogenetic location: 2q11.2.
Variant type: single nucleotide variant.
Coding change: c.2553+5A>G on transcript NM_014014.5 (MANE Select); 5 bases into the intron after coding-DNA position 2553, A replaced by G.
Molecular consequence: intron variant.
Genome position (GRCh38, 1-based): chr2:96,290,679, T>C on the plus strand (A>G on the coding strand, the complement: SNRNP200 is on the minus strand). VCF-style: chr2-96290679-T-C. GRCh37 (hg19) VCF-style: chr2-96956417-T-C.
Identifiers: ClinVar variation 1041595 (VCV001041595.8), dbSNP rs2063878996, ClinGen allele CA1272542555.

ClinVar aggregate classification (germline): Uncertain significance (1 of 4 stars; one submission).

Submission:

Labcorp Genetics (formerly Invitae), Labcorp
Classification: Uncertain significance. Last evaluated: 2021-07-08. Review status: criteria provided, single submitter. Criteria: Invitae Variant Classification Sherloc (09022015). Collection method: clinical testing. Allele origin: germline.
Comment: In summary, the available evidence is currently insufficient to determine the role of this variant in disease. Therefore, it has been classified as a Variant of Uncertain Significance. Algorithms developed to predict the effect of sequence changes on RNA splicing suggest that this variant may create or strengthen a splice site. ClinVar contains an entry for this variant (Variation ID: 1041595). This variant has been observed in individual(s) with clinical features of autosomal dominant retinitis pigmentosa (Invitae). This variant is not present in population databases (ExAC no frequency). This sequence change falls in intron 19 of the SNRNP200 gene. It does not directly change the encoded amino acid sequence of the SNRNP200 protein, but it affects a nucleotide within the consensus splice site of the intron.